The following is an entry in ClinVar:

NM_017646.6(TRIT1):c.1236G>A (p.Ala412=)

Gene: TRIT1 (tRNA isopentenyltransferase 1; minus strand). Cytogenetic location: 1p34.2.
Variant type: single nucleotide variant.
Coding change: c.1236G>A on transcript NM_017646.6 (MANE Select); coding-DNA position 1236, G replaced by A.
Protein change: p.Ala412=; no amino-acid change (alanine 412 retained).
Molecular consequence: synonymous variant.
Genome position (GRCh38, 1-based): chr1:39,841,912, C>T on the plus strand (G>A on the coding strand, the complement: TRIT1 is on the minus strand). VCF-style: chr1-39841912-C-T. GRCh37 (hg19) VCF-style: chr1-40307584-C-T.
Other names: c.1158G>A, p.Ala386= (NM_001312691.2); c.990G>A, p.Ala330= (NM_001312692.2).
Identifiers: ClinVar variation 2051052 (VCV002051052.10), dbSNP rs201731718, ClinGen allele CA787854.

ClinVar aggregate classification (germline): Benign/Likely benign. Review status: criteria provided, multiple submitters, no conflicts (2 of 4 stars). 2 submissions from 2 submitters: Benign (1); Likely benign (1). Last evaluated 2026-08-01.

Allele frequency attached by ClinVar (database versions not stated): gnomAD 0.00009; gnomAD exomes 0.00015; TOPMed 0.00019; ExAC 0.00066.
gnomAD v4.1: 227 of 1,604,860 alleles (0.014%); highest among the groups gnomAD compares: Admixed American, 0.29%; 1 homozygote.

Submissions (2):

CeGaT Center for Human Genetics Tuebingen
Classification: Likely benign. Last evaluated: 2026-08-01. Review status: criteria provided, single submitter. Criteria: CeGaT Center For Human Genetics Tuebingen Variant Classification Criteria Version 2. Collection method: clinical testing. Allele origin: germline. Affected: yes. Observed: 2 variant alleles.
Comment: TRIT1: BP4, BP7

Labcorp Genetics (formerly Invitae), Labcorp
Classification: Benign. Last evaluated: 2026-01-01. Review status: criteria provided, single submitter. Criteria: Invitae Variant Classification Sherloc (09022015). Collection method: clinical testing. Allele origin: germline.